The following is an entry in ClinVar:

ClinVar aggregate classification (germline): Uncertain significance (1 of 4 stars; one submission).

Conditions:
Nemaline myopathy 2 (NEM2). Also called: Nemaline myopathy 2, autosomal recessive. Identifiers: MedGen C1850569, MONDO:0009725, OMIM 256030.

Allele frequency attached by ClinVar (database versions not stated): ESP Exome Variant Server 0.00008.
gnomAD v4.1: 26 of 1,609,980 alleles (0.0016%); highest among the groups gnomAD compares: Non-Finnish European, 0.002%; no homozygotes.

Submission:

Labcorp Genetics (formerly Invitae), Labcorp
Classification: Uncertain significance for Nemaline myopathy 2. Last evaluated: 2021-06-15. Review status: criteria provided, single submitter. Criteria: Invitae Variant Classification Sherloc (09022015). Collection method: clinical testing. Allele origin: germline.
Comment: This sequence change falls in intron 119 of the NEB gene. It does not directly change the encoded amino acid sequence of the NEB protein, but it affects a nucleotide within the consensus splice site of the intron. This variant is present in population databases (rs377482159, ExAC 0.006%). This variant has not been reported in the literature in individuals with NEB-related conditions. Nucleotide substitutions within the consensus splice site are a relatively common cause of aberrant splicing (PMID: 17576681, 9536098). Algorithms developed to predict the effect of sequence changes on RNA splicing suggest that this variant may disrupt the consensus splice site, but this prediction has not been confirmed by published transcriptional studies. In summary, the available evidence is currently insufficient to determine the role of this variant in disease. Therefore, it has been classified as a Variant of Uncertain Significance.

Literature cited by the submitters: PubMed 17576681; PubMed 9536098.

NM_001164508.2(NEB):c.18693+5G>C

Gene: NEB (nebulin; minus strand). Cytogenetic location: 2q23.3.
Variant type: single nucleotide variant.
Coding change: c.18693+5G>C on transcript NM_001164508.2 (MANE Select); 5 bases into the intron after coding-DNA position 18693, G replaced by C.
Molecular consequence: intron variant.
Genome position (GRCh38, 1-based): chr2:151,563,601, C>G on the plus strand (G>C on the coding strand, the complement: NEB is on the minus strand). VCF-style: chr2-151563601-C-G. GRCh37 (hg19) VCF-style: chr2-152420115-C-G.
Other names: c.13590+5G>C (NM_004543.5); c.18693+5G>C (NM_001164507.2, NM_001271208.2).
Identifiers: ClinVar variation 1390117 (VCV001390117.3), dbSNP rs377482159, ClinGen allele CA1907885.